The following is an entry in ClinVar:

NM_006939.4(SOS2):c.346G>A (p.Glu116Lys)

Gene: SOS2 (SOS Ras/Rho guanine nucleotide exchange factor 2; minus strand). Cytogenetic location: 14q21.3.
Variant type: single nucleotide variant.
Coding change: c.346G>A on transcript NM_006939.4 (MANE Select); coding-DNA position 346, G replaced by A.
Protein change: p.Glu116Lys; replaces glutamic acid 116 with lysine.
Molecular consequence: missense variant.
Genome position (GRCh38, 1-based): chr14:50,199,855, C>T on the plus strand (G>A on the coding strand, the complement: SOS2 is on the minus strand). VCF-style: chr14-50199855-C-T. GRCh37 (hg19) VCF-style: chr14-50666573-C-T.
Other names: c.346G>A, p.Glu116Lys (NM_001411020.1); short protein forms E116K.
Identifiers: ClinVar variation 2505944 (VCV002505944.1), dbSNP rs2503186408, ClinGen allele CA389649805.

ClinVar aggregate classification (germline): Uncertain significance (1 of 4 stars; one submission).

Submission:

GeneDx
Classification: Uncertain significance. Last evaluated: 2022-12-13. Review status: criteria provided, single submitter. Criteria: GeneDx Variant Classification Process June 2021. Collection method: clinical testing. Allele origin: germline. Affected: yes.
Comment: Not observed at significant frequency in large population cohorts (gnomAD); In silico analysis supports that this missense variant has a deleterious effect on protein structure/function; Has not been previously published as pathogenic or benign to our knowledge